The following is an entry in ClinVar:

ClinVar aggregate classification (germline): Likely pathogenic (1 of 4 stars; one submission).

Conditions:
Autosomal recessive polycystic kidney disease (ARPKD). Also called: AR polycystic kidney disease. Identifiers: Orphanet 731, Orphanet 8378, MedGen C0085548, MeSH D017044, MONDO:0009889.

Submission:

Labcorp Genetics (formerly Invitae), Labcorp
Classification: Likely pathogenic for Autosomal recessive polycystic kidney disease. Last evaluated: 2023-05-16. Review status: criteria provided, single submitter. Criteria: Invitae Variant Classification Sherloc (09022015). Collection method: clinical testing. Allele origin: unknown.
Comment: In summary, the currently available evidence indicates that the variant is pathogenic, but additional data are needed to prove that conclusively. Therefore, this variant has been classified as Likely Pathogenic. This variant has not been reported in the literature in individuals affected with PKHD1-related conditions. This variant results in a copy number gain of the genomic region encompassing exon(s) 37-44 of the PKHD1 gene. While the exact position of this variant cannot be determined from the data, sub-genic copy number gains are generally in tandem (PMID: 25640679). This variant is predicted to be out-of-frame, and may result in an absent or disrupted protein product. Loss-of-function variants in PKHD1 are known to be pathogenic (PMID: 19940839).

Literature cited by the submitters: PubMed 25640679; PubMed 19940839.

NC_000006.11:g.(?_51751911)_(51799166_?)dup

Gene: PKHD1 (PKHD1 ciliary IPT domain containing fibrocystin/polyductin; minus strand). Cytogenetic location: 6p12.3.
Variant type: Duplication.
Identifiers: ClinVar variation 3245968 (VCV003245968.1).